The following is an entry in ClinVar:

ClinVar aggregate classification (germline): Likely pathogenic (1 of 4 stars; one submission).

Conditions:
Niemann-Pick disease, type C1. Also called: NEUROVISCERAL STORAGE DISEASE WITH VERTICAL SUPRANUCLEAR OPHTHALMOPLEGIA; NIEMANN-PICK DISEASE WITH CHOLESTEROL ESTERIFICATION BLOCK; NIEMANN-PICK DISEASE WITHOUT SPHINGOMYELINASE DEFICIENCY; NIEMANN-PICK DISEASE, CHRONIC NEURONOPATHIC FORM; NIEMANN-PICK DISEASE, VARIANT TYPE C1. Identifiers: Orphanet 646, MedGen C3179455, MONDO:0009757, OMIM 257220.

Submission:

Myriad Genetics, Inc.
Classification: Likely pathogenic for Niemann-Pick disease, type C1. Last evaluated: 2022-03-08. Review status: criteria provided, single submitter. Criteria: Myriad Women's Health Autosomal Recessive and X-Linked Classification Criteria (2021). Collection method: clinical testing. Allele origin: unknown.
Comment: NM_000271.4(NPC1):c.2871T>A(C957*) is expected to be pathogenic in the context of Niemann-Pick disease type C1. This variant is predicted to lead to an abnormal or absent protein product due to the creation of a premature termination codon in NPC1, a gene where loss-of-function variants are known to be pathogenic. Please note: this variant was assessed in the context of healthy population screening.

NM_000271.5(NPC1):c.2871T>A (p.Cys957Ter)

Gene: NPC1 (NPC intracellular cholesterol transporter 1; minus strand). Cytogenetic location: 18q11.2.
Variant type: single nucleotide variant.
Coding change: c.2871T>A on transcript NM_000271.5 (MANE Select); coding-DNA position 2871, T replaced by A.
Protein change: p.Cys957Ter; replaces cysteine 957 with a stop codon.
Molecular consequence: nonsense.
Genome position (GRCh38, 1-based): chr18:23,539,395, A>T on the plus strand (T>A on the coding strand, the complement: NPC1 is on the minus strand). VCF-style: chr18-23539395-A-T. GRCh37 (hg19) VCF-style: chr18-21119359-A-T.
Other names: short protein forms C957*.
Identifiers: ClinVar variation 1726695 (VCV001726695.2), dbSNP rs2511210229, ClinGen allele CA401792450.